The following is an entry in ClinVar:

NM_001166114.2(PNPLA6):c.3376G>A (p.Gly1126Ser)

Gene: PNPLA6 (patatin like domain 6, lysophospholipase; plus strand). Cytogenetic location: 19p13.2.
Variant type: single nucleotide variant.
Coding change: c.3376G>A on transcript NM_001166114.2 (MANE Select); coding-DNA position 3376, G replaced by A.
Protein change: p.Gly1126Ser; replaces glycine 1126 with serine.
Molecular consequence: missense variant.
Genome position (GRCh38, 1-based): chr19:7,557,263, G>A. VCF-style: chr19-7557263-G-A. GRCh37 (hg19) VCF-style: chr19-7622149-G-A.
Other names: c.3406G>A, p.Gly1136Ser (NM_001166111.2); c.3181G>A, p.Gly1061Ser (NM_001166112.2); c.3262G>A, p.Gly1088Ser (NM_001166113.1, NM_006702.5); short protein forms G1061S, G1136S, G1088S, G1126S.
Identifiers: ClinVar variation 1424344 (VCV001424344.6), dbSNP rs1204028385, ClinGen allele CA403133985.

ClinVar aggregate classification (germline): Uncertain significance (1 of 4 stars; one submission).

Conditions:
Hereditary spastic paraplegia 39 (SPG39). Also called: SPASTIC PARAPLEGIA 39, AUTOSOMAL RECESSIVE; Spastic Paraplegia Type 39 (SPG39). Identifiers: Orphanet 139480, MedGen C2677586, MONDO:0012787, OMIM 612020.

Allele frequency attached by ClinVar (database versions not stated): gnomAD exomes below 0.00001; TOPMed below 0.00001; gnomAD 0.00001.
gnomAD v4.1: 2 of 1,611,430 alleles (0.00012%); highest among the groups gnomAD compares: East Asian, 0.0022%; no homozygotes.

Submission:

Labcorp Genetics (formerly Invitae), Labcorp
Classification: Uncertain significance for Hereditary spastic paraplegia 39. Last evaluated: 2022-06-13. Review status: criteria provided, single submitter. Criteria: Invitae Variant Classification Sherloc (09022015). Collection method: clinical testing. Allele origin: germline.
Comment: This sequence change replaces glycine, which is neutral and non-polar, with serine, which is neutral and polar, at codon 1088 of the PNPLA6 protein (p.Gly1088Ser). Algorithms developed to predict the effect of sequence changes on RNA splicing suggest that this variant may create or strengthen a splice site. This variant is present in population databases (no rsID available, gnomAD 0.006%). This variant has not been reported in the literature in individuals affected with PNPLA6-related conditions. Algorithms developed to predict the effect of missense changes on protein structure and function are either unavailable or do not agree on the potential impact of this missense change (SIFT: "Tolerated"; PolyPhen-2: "Probably Damaging"; Align-GVGD: "Class C0"). In summary, the available evidence is currently insufficient to determine the role of this variant in disease. Therefore, it has been classified as a Variant of Uncertain Significance.